The following is an entry in ClinVar:

ClinVar aggregate classification (germline): Uncertain significance (1 of 4 stars; one submission).

Conditions:
Cardiovascular phenotype. Identifiers: MedGen CN230736.

Submission:

Ambry Genetics
Classification: Uncertain significance for Cardiovascular phenotype. Last evaluated: 2024-12-17. Review status: criteria provided, single submitter. Criteria: Ambry Variant Classification Scheme 2023. Collection method: clinical testing. Allele origin: germline.
Comment: The p.L867P variant (also known as c.2600T>C), located in coding exon 19 of the LAMA4 gene, results from a T to C substitution at nucleotide position 2600. The leucine at codon 867 is replaced by proline, an amino acid with similar properties. This amino acid position is conserved. In addition, this alteration is predicted to be tolerated by in silico analysis. Based on the available evidence, the clinical significance of this variant remains unclear.

NM_001105206.3(LAMA4):c.2621T>C (p.Leu874Pro)

Gene: LAMA4 (laminin subunit alpha 4; minus strand). Cytogenetic location: 6q21.
Variant type: single nucleotide variant.
Coding change: c.2621T>C on transcript NM_001105206.3 (MANE Select); coding-DNA position 2621, T replaced by C.
Protein change: p.Leu874Pro; replaces leucine 874 with proline.
Molecular consequence: missense variant.
Genome position (GRCh38, 1-based): chr6:112,142,165, A>G on the plus strand (T>C on the coding strand, the complement: LAMA4 is on the minus strand). VCF-style: chr6-112142165-A-G. GRCh37 (hg19) VCF-style: chr6-112463367-A-G.
Other names: c.2600T>C, p.Leu867Pro (NM_001105207.3, NM_002290.5); short protein forms L867P, L874P.
Identifiers: ClinVar variation 3866205 (VCV003866205.1).